The following is an entry in ClinVar:

ClinVar aggregate classification (germline): Uncertain significance. Review status: criteria provided, multiple submitters, no conflicts (2 of 4 stars). 2 submissions from 2 submitters: Uncertain significance (2). Last evaluated 2025-08-01.

Conditions:
Inborn genetic diseases. Identifiers: MedGen C0950123, MeSH D030342.
Left ventricular noncompaction 8 (LVNC8). Identifiers: Orphanet 154, Orphanet 54260, MedGen C3809288, MONDO:0014152, OMIM 615373.

Allele frequency attached by ClinVar (database versions not stated): gnomAD 0.00001; gnomAD exomes 0.00001; TOPMed 0.00001; ExAC 0.00005.
gnomAD v4.1: 18 of 1,570,826 alleles (0.0011%); highest among the groups gnomAD compares: East Asian, 0.0045%; no homozygotes.

Submissions (2):

Ambry Genetics
Classification: Uncertain significance for Inborn genetic diseases. Last evaluated: 2025-08-01. Review status: criteria provided, single submitter. Criteria: Ambry Variant Classification Scheme 2023. Collection method: clinical testing. Allele origin: germline.

Labcorp Genetics (formerly Invitae), Labcorp
Classification: Uncertain significance for Left ventricular noncompaction 8. Last evaluated: 2024-04-07. Review status: criteria provided, single submitter. Criteria: Invitae Variant Classification Sherloc (09022015). Collection method: clinical testing. Allele origin: germline.
Comment: This sequence change replaces proline, which is neutral and non-polar, with leucine, which is neutral and non-polar, at codon 656 of the PRDM16 protein (p.Pro656Leu). This variant is present in population databases (rs760432567, gnomAD 0.006%). This variant has not been reported in the literature in individuals affected with PRDM16-related conditions. An algorithm developed to predict the effect of missense changes on protein structure and function (PolyPhen-2) suggests that this variant is likely to be tolerated. In summary, the available evidence is currently insufficient to determine the role of this variant in disease. Therefore, it has been classified as a Variant of Uncertain Significance.

NM_022114.4(PRDM16):c.1967C>T (p.Pro656Leu)

Gene: PRDM16 (PR/SET domain 16; plus strand). Cytogenetic location: 1p36.32.
Variant type: single nucleotide variant.
Coding change: c.1967C>T on transcript NM_022114.4 (MANE Select); coding-DNA position 1967, C replaced by T.
Protein change: p.Pro656Leu; replaces proline 656 with leucine.
Molecular consequence: missense variant.
Genome position (GRCh38, 1-based): chr1:3,412,164, C>T. VCF-style: chr1-3412164-C-T. GRCh37 (hg19) VCF-style: chr1-3328728-C-T.
Other names: c.1967C>T, p.Pro656Leu (NM_199454.3); c.1967C>T (NM_022114.3); short protein forms P656L.
Identifiers: ClinVar variation 2900661 (VCV002900661.4), dbSNP rs760432567, ClinGen allele CA544348.